The following is an entry in ClinVar:

NM_001206999.2(CIT):c.5409C>A (p.Leu1803=)

Gene: CIT (citron rho-interacting serine/threonine kinase; minus strand). Cytogenetic location: 12q24.23.
Variant type: single nucleotide variant.
Coding change: c.5409C>A on transcript NM_001206999.2 (MANE Select); coding-DNA position 5409, C replaced by A.
Protein change: p.Leu1803=; no amino-acid change (leucine 1803 retained).
Molecular consequence: synonymous variant.
Genome position (GRCh38, 1-based): chr12:119,701,854, G>T on the plus strand (C>A on the coding strand, the complement: CIT is on the minus strand). VCF-style: chr12-119701854-G-T. GRCh37 (hg19) VCF-style: chr12-120139659-G-T.
Other names: c.5283C>A, p.Leu1761= (NM_007174.3).
Identifiers: ClinVar variation 3050055 (VCV003050055.2), dbSNP rs779034565, ClinGen allele CA6820900.
Genomic context (GRCh38, chr12:119,701,854, plus strand): 5'-TGAGTCTCAGCGCGGCCTGAGCCATGGGTGGGTGCGAAAGTGGAGGTGGGTCCTACCCTC[G>T]AGCGTGTACTGCTTCATGTCGATTTCGTAGAATTTATTGGTTCCAATGAGGATACTGTAA-3'
Protein context (NP_001193928.1, residues 1793-1813): FYEIDMKQYT[Leu1803=]EEFLDKNDHS

ClinVar aggregate classification (germline): Likely benign (0 of 4 stars; one submission).

Conditions:
CIT-related disorder. Also called: CIT-related condition.

Allele frequency attached by ClinVar (database versions not stated): gnomAD 0.00003.
gnomAD v4.1: 19 of 1,613,830 alleles (0.0012%); highest among the groups gnomAD compares: African/African-American, 0.011%; no homozygotes.

Submission:

PreventionGenetics, part of Exact Sciences
Classification: Likely benign for CIT-related condition. Last evaluated: 2019-07-11. Review status: no assertion criteria provided. Collection method: clinical testing. Allele origin: germline.
Comment: This variant is classified as likely benign based on ACMG/AMP sequence variant interpretation guidelines (Richards et al. 2015 PMID: 25741868, with internal and published modifications).